The following is an entry in ClinVar:

NM_001291088.2(WDR87):c.2878G>C (p.Glu960Gln)

Gene: WDR87 (WD repeat domain 87; minus strand). Cytogenetic location: 19q13.13.
Variant type: single nucleotide variant.
Coding change: c.2878G>C on transcript NM_001291088.2 (MANE Select); coding-DNA position 2878, G replaced by C.
Protein change: p.Glu960Gln; replaces glutamic acid 960 with glutamine.
Molecular consequence: missense variant.
Genome position (GRCh38, 1-based): chr19:37,892,825, C>G on the plus strand (G>C on the coding strand, the complement: WDR87 is on the minus strand). VCF-style: chr19-37892825-C-G. GRCh37 (hg19) VCF-style: chr19-38383465-C-G.
Other names: c.2761G>C, p.Glu921Gln (NM_031951.5); short protein forms E921Q, E960Q.
Identifiers: ClinVar variation 2458716 (VCV002458716.5), dbSNP rs751133640, ClinGen allele CA9408775.

ClinVar aggregate classification (germline): Uncertain significance. Review status: criteria provided, multiple submitters, no conflicts (2 of 4 stars). 2 submissions from 2 submitters: Uncertain significance (2). Last evaluated 2023-08-02.

Allele frequency attached by ClinVar (database versions not stated): ExAC 0.00005; TOPMed 0.00012; gnomAD 0.00015; gnomAD exomes 0.00018.

Submissions (2):

Labcorp Genetics (formerly Invitae), Labcorp
Classification: Uncertain significance. Last evaluated: 2023-08-02. Review status: criteria provided, single submitter. Criteria: Invitae Variant Classification Sherloc (09022015). Collection method: clinical testing. Allele origin: germline.
Comment: In summary, the available evidence is currently insufficient to determine the role of this variant in disease. Therefore, it has been classified as a Variant of Uncertain Significance. An algorithm developed to predict the effect of missense changes on protein structure and function (PolyPhen-2) suggests that this variant is likely to be disruptive. ClinVar contains an entry for this variant (Variation ID: 2458716). This variant has not been reported in the literature in individuals affected with WDR87-related conditions. This variant is present in population databases (rs751133640, gnomAD 0.02%). This sequence change replaces glutamic acid, which is acidic and polar, with glutamine, which is neutral and polar, at codon 921 of the WDR87 protein (p.Glu921Gln).

Ambry Genetics
Classification: Uncertain significance. Last evaluated: 2023-02-15. Review status: criteria provided, single submitter. Criteria: Ambry Variant Classification Scheme 2023. Collection method: clinical testing. Allele origin: germline.